The following is an entry in ClinVar:

NM_172245.4(CSF2RA):c.1169G>A (p.Arg390His)

Gene: CSF2RA (colony stimulating factor 2 receptor subunit alpha; plus strand). Cytogenetic location: Xp22.33.
Variant type: single nucleotide variant.
Coding change: c.1169G>A on transcript NM_172245.4 (MANE Select); coding-DNA position 1169, G replaced by A.
Protein change: p.Arg390His; replaces arginine 390 with histidine.
Molecular consequence: missense variant. On other transcripts: 3 prime UTR variant (5), synonymous variant (1), non-coding transcript variant (1), intron variant (6).
Genome position (GRCh38, 1-based): chrX:1,309,445, G>A. VCF-style: chrX-1309445-G-A. GRCh37 (hg19) VCF-style: chrX-1428338-G-A.
Other names: c.1169G>A, p.Arg390His (NM_001161529.2, NM_001379156.1, NM_001379157.1 and 2 more transcripts); c.1271G>A, p.Arg424His (NM_001161530.2, NM_001379153.1, NM_001379154.1); c.770G>A, p.Arg257His (NM_001161532.2); c.1139G>A, p.Arg380His (NM_001379160.1); c.980G>A, p.Arg327His (NM_001379166.1); c.*70G>A (NM_001379167.1, NM_001379168.1, NM_001379169.1 and 2 more transcripts); c.990G>A, p.Pro330= (NM_172246.4); c.1125+3918G>A (NM_001379163.1, NM_001379162.1, NM_001379164.1 and 2 more transcripts); and 1 more; short protein forms R257H, R327H, R390H, R424H, R380H.
Identifiers: ClinVar variation 2159333 (VCV002159333.2), dbSNP rs749182596, ClinGen allele CA10331281.

ClinVar aggregate classification (germline): Uncertain significance (1 of 4 stars; one submission).

Conditions:
Surfactant metabolism dysfunction, pulmonary, 4 (SMDP4). Also called: PULMONARY ALVEOLAR PROTEINOSIS, CONGENITAL, 4; CSF2RA DEFICIENCY; PAP DUE TO CSF2RA DEFICIENCY. Identifiers: Orphanet 264675, MedGen C2677877, MONDO:0010424, OMIM 300770.

Allele frequency attached by ClinVar (database versions not stated): gnomAD 0.00001; TOPMed 0.00002; gnomAD exomes 0.00004; ExAC 0.00006.
gnomAD v4.1: 66 of 1,613,878 alleles (0.0041%); highest among the groups gnomAD compares: East Asian, 0.0089%; no homozygotes.

Submission:

Labcorp Genetics (formerly Invitae), Labcorp
Classification: Uncertain significance for Surfactant metabolism dysfunction, pulmonary, 4. Last evaluated: 2022-03-01. Review status: criteria provided, single submitter. Criteria: Invitae Variant Classification Sherloc (09022015). Collection method: clinical testing. Allele origin: germline.
Comment: In summary, the available evidence is currently insufficient to determine the role of this variant in disease. Therefore, it has been classified as a Variant of Uncertain Significance. Algorithms developed to predict the effect of missense changes on protein structure and function output the following: SIFT: "Tolerated"; PolyPhen-2: "Benign"; Align-GVGD: "Class C0". The histidine amino acid residue is found in multiple mammalian species, which suggests that this missense change does not adversely affect protein function. This variant has not been reported in the literature in individuals affected with CSF2RA-related conditions. This variant is present in population databases (no rsID available, gnomAD 0.03%). This sequence change replaces arginine, which is basic and polar, with histidine, which is basic and polar, at codon 390 of the CSF2RA protein (p.Arg390His).